The following is an entry in ClinVar:

ClinVar aggregate classification (germline): Uncertain significance (1 of 4 stars; one submission).

Allele frequency attached by ClinVar (database versions not stated): gnomAD exomes below 0.00001.

Submission:

GeneDx
Classification: Uncertain significance. Last evaluated: 2017-01-16. Review status: criteria provided, single submitter. Criteria: GeneDx Variant Classification (06012015). Collection method: clinical testing. Allele origin: germline. Affected: yes.
Comment: The G120D variant in the FANCF gene has not been reported previously as a pathogenic variant, nor as a benign variant, to our knowledge. The G120D variant was not observed in approximately 6,500 individuals of European and African American ancestry in the NHLBI Exome Sequencing Project, indicating it is not a common benign variant in these populations. The G120D variant is a non-conservative amino acid substitution, which is likely to impact secondary protein structure as these residues differ in polarity, charge, size and/or other properties. However, this substitution occurs at a position that is not conserved, and in silico analysis is inconsistent in its predictions as to whether or not the variant is damaging to the protein structure/function. We interpret G120D as a variant of uncertain significance.

NM_022725.4(FANCF):c.359G>A (p.Gly120Asp)

Gene: FANCF (FA complementation group F; minus strand). Cytogenetic location: 11p14.3.
Variant type: single nucleotide variant.
Coding change: c.359G>A on transcript NM_022725.4 (MANE Select); coding-DNA position 359, G replaced by A.
Protein change: p.Gly120Asp; replaces glycine 120 with aspartic acid.
Molecular consequence: missense variant.
Genome position (GRCh38, 1-based): chr11:22,625,452, C>T on the plus strand (G>A on the coding strand, the complement: FANCF is on the minus strand). VCF-style: chr11-22625452-C-T. GRCh37 (hg19) VCF-style: chr11-22646998-C-T.
Other names: short protein forms G120D.
Identifiers: ClinVar variation 392402 (VCV000392402.2), dbSNP rs1057524472, ClinGen allele CA16606913.